The following is an entry in ClinVar:

NM_001243279.3(ACSF3):c.1673G>A (p.Arg558Gln)

Gene: ACSF3 (acyl-CoA synthetase family member 3; plus strand). Cytogenetic location: 16q24.3.
Variant type: single nucleotide variant.
Coding change: c.1673G>A on transcript NM_001243279.3 (MANE Select); coding-DNA position 1673, G replaced by A.
Protein change: p.Arg558Gln; replaces arginine 558 with glutamine.
Molecular consequence: missense variant. On other transcripts: non-coding transcript variant (4).
Genome position (GRCh38, 1-based): chr16:89,154,149, G>A. VCF-style: chr16-89154149-G-A. GRCh37 (hg19) VCF-style: chr16-89220557-G-A.
Other names: c.1673G>A, p.Arg558Gln (NM_174917.5, NM_001127214.4); c.1673G>A (NM_174917.4); c.878G>A, p.Arg293Gln (NM_001284316.2); short protein forms R293Q, R558Q.
Identifiers: ClinVar variation 1323847 (VCV001323847.7), dbSNP rs140328142, ClinGen allele CA8238370.

ClinVar aggregate classification (germline): Conflicting classifications of pathogenicity. Review status: criteria provided, conflicting classifications (1 of 4 stars). 4 submissions from 4 submitters: Likely pathogenic (3); Uncertain significance (1). Last evaluated 2026-04-22.

Conditions:
Combined malonic and methylmalonic acidemia. Identifiers: Orphanet 289504, MedGen C3280314, MONDO:0013661, OMIM 614265.
ACSF3-related disorder. Also called: ACSF3-related condition.

Allele frequency attached by ClinVar (database versions not stated): 1000 Genomes Project 0.00060; 1000 Genomes Project 30x 0.00078.
gnomAD v4.1: 60 of 1,613,310 alleles (0.0037%); highest among the groups gnomAD compares: African/African-American, 0.027%; no homozygotes.

Submissions (4):

PreventionGenetics, part of Exact Sciences
Classification: Likely pathogenic for ACSF3-related condition. Last evaluated: 2026-04-22. Review status: criteria provided, single submitter. Criteria: ACMG Guidelines, 2015. Collection method: clinical testing. Allele origin: germline.
Comment: The ACSF3 c.1673G>A variant is predicted to result in the amino acid substitution p.Arg558Gln. This variant has been reported along with another pathogenic ACSF3 variant in individual with methylmalonic acidemia (Pupavac et al. 2016. PubMed ID: 26827111). An alternate missense change at the same amino acid position (p.Arg558Trp) has been reported to be pathogenic (Sloan et al. 2011. PubMed ID: 21841779; Pupavac et al. 2016. PubMed ID: 26827111; Levtova et al. 2019. PubMed ID: 30740739). This variant is reported in 0.037% of alleles in individuals of African descent in gnomAD. This variant is interpreted as likely pathogenic.

Natera, Inc.
Classification: Likely pathogenic for Combined malonic and methylmalonic aciduria. Last evaluated: 2025-05-08. Review status: criteria provided, single submitter. Criteria: Natera Variant Classification Schema (03/2026). Collection method: clinical testing. Allele origin: germline.
Comment: The c.1673G>A variant in ACSF3 is a missense variant predicted to cause substitution of arginine to glutamine at amino acid 558. This variant is rare in the general population with a frequency below the threshold expected for the associated phenotype(s). This variant has been observed in one or more individuals affected with the associated recessive disease, as either homozygous or compound heterozygous with a second variant (PMID: 26827111). A different variant at the same position has been determined to be Pathogenic or Likely Pathogenic. Computational prediction algorithms indicate this variant is likely to affect gene or protein function. Given the available evidence, this variant is classified as Likely Pathogenic.

Women's Health and Genetics/Laboratory Corporation of America, LabCorp
Classification: Uncertain significance. Last evaluated: 2022-08-20. Review status: criteria provided, single submitter. Criteria: LabCorp Variant Classification Summary - May 2015. Collection method: clinical testing. Allele origin: germline.
Comment: Variant summary: ACSF3 c.1673G>A (p.Arg558Gln) results in a conservative amino acid change located in the AMP-binding enzyme, C-terminal domain (IPR025110) of the encoded protein sequence. Four of five in-silico tools predict a damaging effect of the variant on protein function. The variant allele was found at a frequency of 4e-05 in 248406 control chromosomes. This frequency is not significantly higher than estimated for a pathogenic variant in ACSF3 causing Combined Malonic And Methylmalonic Aciduria (4e-05 vs 0.0058), allowing no conclusion about variant significance. c.1673G>A has been reported in the literature as a compound heterozygous genotype in at-least one individual with elevated methylmalonic acid levels that did not respond to vitamin B12 treatment (example, Pupavac_2016). A different variant, c.1672C>T (p.R558W) has been reported as one of the common ACSF3 mutations in a cohort of individuals with combined malonic and methylmalonic aciduria due to ACSF3 deficiency (CMAMMA) (Levtova_2019). These data do not allow any conclusion about variant significance. To our knowledge, no experimental evidence demonstrating an impact on protein function has been reported. One clinical diagnostic laboratory has submitted clinical-significance assessments for this variant to ClinVar after 2014 without evidence for independent evaluation and classified the variant as likely pathogenic. Based on the evidence outlined above, the variant was classified as uncertain significance.

Revvity Omics, Revvity
Classification: Likely pathogenic for Combined malonic and methylmalonic acidemia. Last evaluated: 2021-05-25. Review status: criteria provided, single submitter. Criteria: ACMG Guidelines, 2015. Collection method: clinical testing. Allele origin: germline.

Literature cited by the submitters: PubMed 26827111 (cited by Natera, Inc. and Women's Health and Genetics/Laboratory Corporation of America, LabCorp); PubMed 30740739 (cited by Women's Health and Genetics/Laboratory Corporation of America, LabCorp).